The following is an entry in ClinVar:

ClinVar aggregate classification (germline): Likely benign (1 of 4 stars; one submission).

Allele frequency attached by ClinVar (database versions not stated): gnomAD exomes below 0.00001; TOPMed below 0.00001; ExAC 0.00002.
gnomAD v4.1: 4 of 1,576,190 alleles (0.00025%); highest among the groups gnomAD compares: East Asian, 0.0022%; no homozygotes.

Submission:

CeGaT Center for Human Genetics Tuebingen
Classification: Likely benign. Last evaluated: 2022-06-01. Review status: criteria provided, single submitter. Criteria: CeGaT Center For Human Genetics Tuebingen Variant Classification Criteria Version 2. Collection method: clinical testing. Allele origin: germline. Affected: yes. Observed: 1 variant allele.
Comment: KANSL1: BP4, BP7

NM_015443.4(KANSL1):c.528C>T (p.Leu176=)

Gene: KANSL1 (KAT8 regulatory NSL complex subunit 1). Cytogenetic location: 17q21.31.
Variant type: single nucleotide variant.
Coding change: c.528C>T on transcript NM_015443.4 (MANE Select); coding-DNA position 528, C replaced by T.
Protein change: p.Leu176=; no amino-acid change (leucine 176 retained).
Molecular consequence: synonymous variant. On other transcripts: intron variant (4).
Genome position (GRCh38, 1-based): chr17:46,171,616, G>A on the plus strand (C>T on the coding strand, the complement: KANSL1 is on the minus strand). VCF-style: chr17-46171616-G-A. GRCh37 (hg19) VCF-style: chr17-44248982-G-A.
Other names: c.528C>T, p.Leu176= (NM_001405878.1, NM_001405879.1, NM_001405880.1 and 18 more transcripts); c.23+52055C>T (NM_001405885.1, NM_001405884.1, NM_001405883.1 and 1 more transcripts).
Identifiers: ClinVar variation 2647863 (VCV002647863.24), dbSNP rs762977307, ClinGen allele CA8619036.